The following is an entry in ClinVar:

NM_000090.4(COL3A1):c.2337G>A (p.Lys779=)

Gene: COL3A1 (collagen type III alpha 1 chain; plus strand). Cytogenetic location: 2q32.2.
Variant type: single nucleotide variant.
Coding change: c.2337G>A on transcript NM_000090.4 (MANE Select); coding-DNA position 2337, G replaced by A.
Protein change: p.Lys779=; no amino-acid change (lysine 779 retained).
Molecular consequence: synonymous variant.
Genome position (GRCh38, 1-based): chr2:189,001,450, G>A. VCF-style: chr2-189001450-G-A. GRCh37 (hg19) VCF-style: chr2-189866176-G-A.
Other names: NP_000081.1:p.Gly762_Lys779del+.
Identifiers: ClinVar variation 101153 (VCV000101153.6), dbSNP rs587779461, ClinGen allele CA005337.

ClinVar aggregate classification (germline): Pathogenic/Likely pathogenic. Review status: criteria provided, multiple submitters, no conflicts (2 of 4 stars). 3 submissions from 3 submitters: Pathogenic (1); Likely pathogenic (1). 1 of the submissions does not count toward it. Last evaluated 2025-10-05.

Conditions:
Familial thoracic aortic aneurysm and aortic dissection (TAAD). Also called: Thoracic aortic aneurysms and dissections. Identifiers: Orphanet 91387, MedGen C4707243, MONDO:0019625.
Ehlers-Danlos syndrome, type 4 (EDSVASC). Also called: Ehlers-Danlos syndrome vascular type; Ehlers Danlos syndrome, ecchymotic type; Ehlers Danlos syndrome, arterial type; Ehlers Danlos syndrome, Sack-Barabas type; Ehlers-Danlos Syndrome Type IV. Identifiers: Orphanet 286, MedGen C0268338, MONDO:0017314, OMIM 130050.

Submissions (3):

Labcorp Genetics (formerly Invitae), Labcorp
Classification: Pathogenic for Ehlers-Danlos syndrome, type 4. Last evaluated: 2025-10-05. Review status: criteria provided, single submitter. Criteria: Invitae Variant Classification Sherloc (09022015). Collection method: clinical testing. Allele origin: germline.
Comment: This sequence change affects codon 779 of the COL3A1 mRNA. It is a 'silent' change, meaning that it does not change the encoded amino acid sequence of the COL3A1 protein. RNA analysis indicates that this variant induces altered splicing and likely results in a shortened protein product. This variant is not present in population databases (gnomAD no frequency). This variant has been observed in individual(s) with Ehlers-Danlos syndrome (PMID: 7665911). ClinVar contains an entry for this variant (Variation ID: 101153). Variants that disrupt the consensus splice site are a relatively common cause of aberrant splicing (PMID: 17576681, 9536098). Studies have shown that this variant results in skipping of 33, but is expected to preserve the integrity of the reading-frame (PMID: 7665911). This variant disrupts a region of the COL3A1 protein in which other variant(s) (p.Gly774Asp) have been determined to be pathogenic (internal data). This suggests that this is a clinically significant region of the protein, and that variants that disrupt it are likely to be disease-causing. For these reasons, this variant has been classified as Pathogenic.

Ambry Genetics
Classification: Likely pathogenic for Familial thoracic aortic aneurysm and aortic dissection. Last evaluated: 2016-04-01. Review status: criteria provided, single submitter. Criteria: Ambry Variant Classification Scheme 2023. Collection method: clinical testing. Allele origin: germline.
Comment: The c.2337G>A variant (also known as p.K779K), located in coding exon 33 of the COL3A1 gene, results from a G to A substitution at nucleotide position 2337. This nucleotide substitution does not change the lysine at codon 779. However, this change occurs in the last base pair of coding exon 33, which makes it likely to have some effect on normal mRNA splicing. This variant, referred to as a G to A substitution at the last nucleotide of exon 34, was described in a patient with Ehlers-Danlos syndrome (EDS) type IV, and in vitro studies demonstrated this variant resulted in skipping of exon 34 (Kuivaniemi H et al. J Invest Dermatol. 1995;105(3):352-6). This variant was not reported in population based cohorts in the following databases: Database of Single Nucleotide Polymorphisms (dbSNP), NHLBI Exome Sequencing Project (ESP), and 1000 Genomes Project. In the ESP, this variant was not observed in 6503 samples (13006 alleles) with coverage at this position. This nucleotide position is highly conserved in available vertebrate species. Using the BDGP and ESEfinder splice site prediction tools, this alteration is predicted to weaken, but does not abolish, the efficiency of the native splice donor site; however, direct evidence is unavailable. Based on the available evidence, this variant is likely to be pathogenic.

Collagen Diagnostic Laboratory, University of Washington
Classification: Pathogenic for Ehlers-Danlos syndrome, type 4. Review status: no assertion criteria provided. Collection method: clinical testing. Allele origin: germline. Affected: yes. Not counted in ClinVar's aggregate classification.

Literature cited by the submitters: PubMed 7665911 (cited by Labcorp Genetics (formerly Invitae), Labcorp and Ambry Genetics); PubMed 17576681 (cited by Labcorp Genetics (formerly Invitae), Labcorp); PubMed 9536098 (cited by Labcorp Genetics (formerly Invitae), Labcorp); PubMed 24922459 (cited by Ambry Genetics).